The following is an entry in ClinVar:

ClinVar aggregate classification (germline): Pathogenic. Review status: reviewed by expert panel (3 of 4 stars). 2 submissions from 2 submitters: Pathogenic (1). 1 of the submissions does not count toward it. Last evaluated 2016-09-08.

Conditions:
Breast-ovarian cancer, familial, susceptibility to, 2 (BROVCA2). Also called: BRCA2 Hereditary Breast and Ovarian Cancer. Identifiers: Orphanet 145, MedGen C2675520, MONDO:0012933, OMIM 612555. Disease mechanism: loss of function.

Submissions (2):

Evidence-based Network for the Interpretation of Germline Mutant Alleles (ENIGMA)
Classification: Pathogenic for Breast-ovarian cancer, familial, susceptibility to, 2. Last evaluated: 2016-09-08. Review status: reviewed by expert panel. Criteria: ENIGMA BRCA1/2 Classification Criteria (2015). Collection method: curation. Allele origin: germline.
Comment: Variant allele predicted to encode a truncated non-functional protein.

Breast Cancer Information Core (BIC) (BRCA2)
Classification: Pathogenic for Breast-ovarian cancer, familial 2. Last evaluated: 2001-11-29. Review status: no assertion criteria provided. Collection method: clinical testing. Allele origin: germline. Affected: yes. Observed: 1 variant allele. Not counted in ClinVar's aggregate classification.

NM_000059.4(BRCA2):c.6219dup (p.His2074fs)

Gene: BRCA2 (BRCA2 DNA repair associated; plus strand). Cytogenetic location: 13q13.1.
Variant type: Duplication.
Coding change: c.6219dup on transcript NM_000059.4 (MANE Select); coding-DNA position 6219, one base duplicated (A; older notation c.6219dupA).
Protein change: p.His2074fs; shifts the reading frame from histidine 2074.
Molecular consequence: frameshift variant.
Genome position (GRCh38, 1-based): chr13:32,340,574, A duplicated. VCF-style (leftmost placement, unchanged base first): chr13-32340573-T-TA. GRCh37 (hg19) VCF-style: chr13-32914710-T-TA.
Other names: 6447insA; c.6219dupA (NM_000059.3); short protein forms H2074fs.
Identifiers: ClinVar variation 126093 (VCV000126093.2), dbSNP rs80359568, ClinGen allele CA023766.
Genomic context (GRCh38, chr13:32,340,573, plus strand): 5'-CTGCTTTCTCTGGATTTAGTACAGCAAGTGGAAAGCAAGTTTCCATTTTAGAAAGTTCCT[T>TA]ACACAAAGTTAAGGGAGTGTTAGAGGAATTTGATTTAATCAGAACTGAGCATAGTCTTCA-3'